The following is an entry in ClinVar:

NM_002474.3(MYH11):c.4106T>G (p.Leu1369Arg)

Genes: MYH11 (myosin heavy chain 11; minus strand), NDE1 (nudE neurodevelopment protein 1; plus strand). Cytogenetic location: 16p13.11.
Variant type: single nucleotide variant.
Coding change: c.4106T>G on transcript NM_002474.3 (MANE Select); coding-DNA position 4106, T replaced by G.
Protein change: p.Leu1369Arg; replaces leucine 1369 with arginine.
Molecular consequence: missense variant. On other transcripts: 3 prime UTR variant (2).
Genome position (GRCh38, 1-based): chr16:15,724,657, A>C on the plus strand (T>G on the coding strand, the complement: MYH11 is on the minus strand). VCF-style: chr16-15724657-A-C. GRCh37 (hg19) VCF-style: chr16-15818514-A-C.
Other names: c.4127T>G, p.Leu1376Arg (NM_001040113.2, NM_001040114.2); c.4106T>G, p.Leu1369Arg (NM_022844.3); c.*406A>C (NM_001143979.2, NM_017668.3); short protein forms L1369R, L1376R.
Identifiers: ClinVar variation 1011618 (VCV001011618.10), dbSNP rs2040657857, ClinGen allele CA394857699.

ClinVar aggregate classification (germline): Uncertain significance. Review status: criteria provided, multiple submitters, no conflicts (2 of 4 stars). 2 submissions from 2 submitters: Uncertain significance (2). Last evaluated 2022-08-16.

Conditions:
Familial thoracic aortic aneurysm and aortic dissection (TAAD). Also called: Thoracic aortic aneurysms and dissections. Identifiers: Orphanet 91387, MedGen C4707243, MONDO:0019625.
Aortic aneurysm, familial thoracic 4 (AAT4). Also called: AORTIC ANEURYSM/AORTIC DISSECTION AND PATENT DUCTUS ARTERIOSUS. Identifiers: MedGen C1851504, MONDO:0007568, OMIM 132900.

Submissions (2):

Ambry Genetics
Classification: Uncertain significance for Familial thoracic aortic aneurysm and aortic dissection. Last evaluated: 2022-08-16. Review status: criteria provided, single submitter. Criteria: Ambry Variant Classification Scheme 2023. Collection method: clinical testing. Allele origin: germline.
Comment: The p.L1369R variant (also known as c.4106T>G), located in coding exon 29 of the MYH11 gene, results from a T to G substitution at nucleotide position 4106. The leucine at codon 1369 is replaced by arginine, an amino acid with dissimilar properties. This amino acid position is conserved. In addition, this alteration is predicted to be deleterious by in silico analysis. Since supporting evidence is limited at this time, the clinical significance of this alteration remains unclear.

Labcorp Genetics (formerly Invitae), Labcorp
Classification: Uncertain significance for Aortic aneurysm, familial thoracic 4. Last evaluated: 2020-08-30. Review status: criteria provided, single submitter. Criteria: Invitae Variant Classification Sherloc (09022015). Collection method: clinical testing. Allele origin: germline.
Comment: In summary, the available evidence is currently insufficient to determine the role of this variant in disease. Therefore, it has been classified as a Variant of Uncertain Significance. Algorithms developed to predict the effect of missense changes on protein structure and function (SIFT, PolyPhen-2, Align-GVGD) all suggest that this variant is likely to be disruptive, but these predictions have not been confirmed by published functional studies and their clinical significance is uncertain. This variant has not been reported in the literature in individuals with MYH11-related conditions. This variant is not present in population databases (ExAC no frequency). This sequence change replaces leucine with arginine at codon 1376 of the MYH11 protein (p.Leu1376Arg). The leucine residue is highly conserved and there is a moderate physicochemical difference between leucine and arginine.